The following is an entry in ClinVar:

NM_205836.3(FBXO38):c.1989T>G (p.Phe663Leu)

Gene: FBXO38 (F-box protein 38; plus strand). Cytogenetic location: 5q32.
Variant type: single nucleotide variant.
Coding change: c.1989T>G on transcript NM_205836.3 (MANE Select); coding-DNA position 1989, T replaced by G.
Protein change: p.Phe663Leu; replaces phenylalanine 663 with leucine.
Molecular consequence: missense variant. On other transcripts: intron variant (1).
Genome position (GRCh38, 1-based): chr5:148,427,283, T>G. VCF-style: chr5-148427283-T-G. GRCh37 (hg19) VCF-style: chr5-147806846-T-G.
Other names: c.1989T>G, p.Phe663Leu (NM_030793.5); c.1918+1582T>G (NM_001271723.2); short protein forms F663L.
Identifiers: ClinVar variation 2739240 (VCV002739240.3), dbSNP rs1410536767, ClinGen allele CA361656413.

ClinVar aggregate classification (germline): Uncertain significance (1 of 4 stars; one submission).

Conditions:
Distal hereditary motor neuropathy type 2. Identifiers: Orphanet 139525, MedGen C3711384, MeSH C580044, MONDO:0015352.

Allele frequency attached by ClinVar (database versions not stated): TOPMed below 0.00001.

Submission:

Labcorp Genetics (formerly Invitae), Labcorp
Classification: Uncertain significance for Distal hereditary motor neuropathy type 2. Last evaluated: 2024-01-22. Review status: criteria provided, single submitter. Criteria: Invitae Variant Classification Sherloc (09022015). Collection method: clinical testing. Allele origin: germline.
Comment: This sequence change replaces phenylalanine, which is neutral and non-polar, with leucine, which is neutral and non-polar, at codon 663 of the FBXO38 protein (p.Phe663Leu). This variant is not present in population databases (gnomAD no frequency). This variant has not been reported in the literature in individuals affected with FBXO38-related conditions. Advanced modeling of protein sequence and biophysical properties (such as structural, functional, and spatial information, amino acid conservation, physicochemical variation, residue mobility, and thermodynamic stability) performed at Invitae indicates that this missense variant is not expected to disrupt FBXO38 protein function with a negative predictive value of 80%. In summary, the available evidence is currently insufficient to determine the role of this variant in disease. Therefore, it has been classified as a Variant of Uncertain Significance.